The following is an entry in ClinVar:

ClinVar aggregate classification (germline): Pathogenic/Likely pathogenic. Review status: criteria provided, multiple submitters, no conflicts (2 of 4 stars). 15 submissions from 13 submitters: Pathogenic (11); Likely pathogenic (1). 3 of the submissions do not count toward it. Last evaluated 2024-04-23.

Conditions:
Leber congenital amaurosis (LCA). Also called: Leber's amaurosis. Identifiers: Orphanet 65, MedGen C0339527, MeSH D057130, MONDO:0018998.
Early-onset retinal dystrophy.
Retinal dystrophy. Also called: Inherited retinal dystrophy. Identifiers: Orphanet 71862, MedGen C0854723, MeSH D058499, MONDO:0019118, HP:0000556.
CRB1-related disorder. Also called: CRB1-related condition; CRB1-related disorders.
Leber congenital amaurosis 8 (LCA8). Identifiers: Orphanet 65, MedGen C3151202, MONDO:0013453, OMIM 613835.
Retinitis pigmentosa 12 (RP12). Also called: RP WITH OR WITHOUT PPRPE; RP WITH OR WITHOUT PRESERVED PARAARTERIOLE RETINAL PIGMENT EPITHELIUM; RETINITIS PIGMENTOSA WITH OR WITHOUT PARAARTERIOLAR PRESERVATION OF RETINAL PIGMENT EPITHELIUM. Identifiers: Orphanet 791, MedGen C1838647, MONDO:0010818, OMIM 600105.
Pigmented paravenous retinochoroidal atrophy. Identifiers: Orphanet 251295, MedGen C1868310, MONDO:0008246, OMIM 172870.

Allele frequency attached by ClinVar (database versions not stated): TOPMed 0.00002.
gnomAD v4.1: 19 of 1,613,702 alleles (0.0012%); highest among the groups gnomAD compares: East Asian, 0.0045%; no homozygotes.

Submissions (15):

Fulgent Genetics
Classification: Pathogenic for Pigmented paravenous retinochoroidal atrophy; Retinitis pigmentosa 12; Leber congenital amaurosis 8. Last evaluated: 2024-04-23. Review status: criteria provided, single submitter. Criteria: ACMG Guidelines, 2015. Collection method: clinical testing. Allele origin: germline.

Baylor Genetics
Classification: Pathogenic for Leber congenital amaurosis 8. Last evaluated: 2024-03-07. Review status: criteria provided, single submitter. Criteria: ACMG Guidelines, 2015. Collection method: clinical testing. Allele origin: unknown.

Blueprint Genetics
Classification: Pathogenic for CRB1-related disorders. Last evaluated: 2023-10-30. Review status: criteria provided, single submitter. Criteria: ACMG Guidelines, 2015. Collection method: clinical testing. Allele origin: germline. Affected: yes. Observed: 5 variant alleles.

Dept Of Ophthalmology, Nagoya University
Classification: Pathogenic for Retinal dystrophy. Last evaluated: 2023-10-01. Review status: criteria provided, single submitter. Criteria: Submitter's publication. Collection method: research. Allele origin: germline. Affected: yes.

Genome-Nilou Lab
Classification: Pathogenic for Leber congenital amaurosis 8. Last evaluated: 2023-04-11. Review status: criteria provided, single submitter. Criteria: ACMG Guidelines, 2015. Collection method: clinical testing. Allele origin: germline. Affected: no.

Genome-Nilou Lab
Classification: Pathogenic for Pigmented paravenous retinochoroidal atrophy. Last evaluated: 2023-04-11. Review status: criteria provided, single submitter. Criteria: ACMG Guidelines, 2015. Collection method: clinical testing. Allele origin: germline. Affected: no.

Genome-Nilou Lab
Classification: Pathogenic for Retinitis pigmentosa 12. Last evaluated: 2023-04-11. Review status: criteria provided, single submitter. Criteria: ACMG Guidelines, 2015. Collection method: clinical testing. Allele origin: germline. Affected: no.

Labcorp Genetics (formerly Invitae), Labcorp
Classification: Pathogenic for Leber congenital amaurosis 8; Retinitis pigmentosa 12. Last evaluated: 2022-02-04. Review status: criteria provided, single submitter. Criteria: Invitae Variant Classification Sherloc (09022015). Collection method: clinical testing. Allele origin: germline.
Comment: ClinVar contains an entry for this variant (Variation ID: 635155). This sequence change creates a premature translational stop signal (p.Arg744*) in the CRB1 gene. It is expected to result in an absent or disrupted protein product. Loss-of-function variants in CRB1 are known to be pathogenic (PMID: 10508521, 22065545, 23379534, 25412400, 26957898, 28041643, 29391521). This variant is present in population databases (rs150412614, gnomAD 0.003%). This premature translational stop signal has been observed in individual(s) with inherited retinal dystrophy (PMID: 25323024, 31456290, 31896775, 33342761). For these reasons, this variant has been classified as Pathogenic.

3billion
Classification: Pathogenic for Leber congenital amaurosis 8. Last evaluated: 2022-01-03. Review status: criteria provided, single submitter. Criteria: ACMG Guidelines, 2015. Collection method: clinical testing. Allele origin: germline. Affected: yes. Observed: 1 heterozygote.
Comment: Stop-gained (nonsense): predicted to result in a loss or disruption of normal protein function through nonsense-mediated decay (NMD) or protein truncation. Multiple pathogenic variants are reported downstream of the variant (PVS1_VS).The variant has been reported at least twice as pathogenic/likely pathogenic with clinical assertions and evidence for the classification (ClinVar ID: VCV000635155, PMID:25323024, 3billion dataset). It is observed at an extremely low frequency in the gnomAD v2.1.1 dataset (total allele frequency: 0.000012, PM2_M). Therefore, this variant is classified as pathogenic according to the recommendation of ACMG/AMP guideline.

Institute of Medical Molecular Genetics, University of Zurich
Classification: Likely pathogenic for Leber congenital amaurosis 8. Last evaluated: 2021-01-30. Review status: criteria provided, single submitter. Criteria: ACMG Guidelines, 2015. Collection method: clinical testing. Allele origin: unknown. Affected: yes.

Institute of Human Genetics, Univ. Regensburg, Univ. Regensburg
Classification: Pathogenic for Retinal dystrophy. Last evaluated: 2017-01-01. Review status: criteria provided, single submitter. Criteria: ACMG Guidelines, 2015. Collection method: clinical testing. Allele origin: germline. Affected: yes.

Juno Genomics, Hangzhou Juno Genomics, Inc
Classification: Pathogenic for Retinitis pigmentosa 12. Review status: criteria provided, single submitter. Criteria: ACMG Guidelines, 2015. Collection method: clinical testing. Allele origin: germline.
Comment: Absent from controls (or at extremely low frequency if recessive) in Genome Aggregation Database.;Null variant in a gene where loss of function (LOF) is a known mechanism of disease.;For recessive disorders, detected in trans with a pathogenic variant.;Patient's phenotype or family history is highly specific for a disease with a single genetic etiology.

Sharon lab, Hadassah-Hebrew University Medical Center
Classification: Pathogenic for leber congenital amaurosis. Last evaluated: 2019-06-23. Review status: no assertion criteria provided. Collection method: research. Allele origin: inherited. Affected: yes. Not counted in ClinVar's aggregate classification.

Molecular Genetics Laboratory, Institute for Ophthalmic Research
Classification: Pathogenic for Early-onset retinal dystrophy. Last evaluated: 2017-12-13. Review status: no assertion criteria provided. Collection method: research. Allele origin: inherited. Affected: yes. Not counted in ClinVar's aggregate classification.

Laboratory of Genetics in Ophthalmology, Institut Imagine
Classification: Pathogenic for Leber congenital amaurosis 8. Review status: no assertion criteria provided. Collection method: research. Allele origin: inherited. Affected: yes. Observed: 1 variant allele. Not counted in ClinVar's aggregate classification.

Literature cited by the submitters: PubMed 10508521 (cited by Labcorp Genetics (formerly Invitae), Labcorp); PubMed 22065545 (cited by Labcorp Genetics (formerly Invitae), Labcorp); PubMed 23379534 (cited by Labcorp Genetics (formerly Invitae), Labcorp); PubMed 25412400 (cited by Labcorp Genetics (formerly Invitae), Labcorp); PubMed 26957898 (cited by Labcorp Genetics (formerly Invitae), Labcorp); PubMed 28041643 (cited by Labcorp Genetics (formerly Invitae), Labcorp); PubMed 29391521 (cited by Labcorp Genetics (formerly Invitae), Labcorp); PubMed 25323024 (cited by 4 submitters); PubMed 31456290 (cited by Labcorp Genetics (formerly Invitae), Labcorp and Institute of Human Genetics, Univ. Regensburg, Univ. Regensburg); PubMed 31896775 (cited by Labcorp Genetics (formerly Invitae), Labcorp and Institute of Human Genetics, Univ. Regensburg, Univ. Regensburg); PubMed 33342761 (cited by Labcorp Genetics (formerly Invitae), Labcorp and Institute of Human Genetics, Univ. Regensburg, Univ. Regensburg); PubMed 31879567 (cited by Institute of Human Genetics, Univ. Regensburg, Univ. Regensburg); PubMed 31964843 (cited by Institute of Human Genetics, Univ. Regensburg, Univ. Regensburg); PubMed 32531858 (cited by Institute of Human Genetics, Univ. Regensburg, Univ. Regensburg); PubMed 36284460 (cited by Institute of Human Genetics, Univ. Regensburg, Univ. Regensburg); PubMed 35456422 (cited by Institute of Human Genetics, Univ. Regensburg, Univ. Regensburg).

NM_201253.3(CRB1):c.2230C>T (p.Arg744Ter)

Gene: CRB1 (crumbs cell polarity complex component 1; plus strand). Cytogenetic location: 1q31.3.
Variant type: single nucleotide variant.
Coding change: c.2230C>T on transcript NM_201253.3 (MANE Select); coding-DNA position 2230, C replaced by T.
Protein change: p.Arg744Ter; replaces arginine 744 with a stop codon.
Molecular consequence: nonsense. On other transcripts: non-coding transcript variant (2), intron variant (1).
Genome position (GRCh38, 1-based): chr1:197,427,555, C>T. VCF-style: chr1-197427555-C-T. GRCh37 (hg19) VCF-style: chr1-197396685-C-T.
Other names: c.1894C>T, p.Arg632Ter (NM_001193640.2); c.2023C>T, p.Arg675Ter (NM_001257965.2); c.2128+5599C>T (NM_001257966.2); short protein forms R744*, R675*, R632*.
Identifiers: ClinVar variation 635155 (VCV000635155.21), dbSNP rs150412614, ClinGen allele CA1312079.